The following is an entry in ClinVar:

ClinVar aggregate classification (germline): Uncertain significance. Review status: criteria provided, multiple submitters, no conflicts (2 of 4 stars). 6 submissions from 6 submitters: Uncertain significance (5). 1 of the submissions does not count toward it. Last evaluated 2026-01-28.

Conditions:
Hereditary cancer-predisposing syndrome. Also called: Neoplastic Syndromes, Hereditary; Hereditary neoplastic syndrome; Tumor predisposition; Hereditary Cancer Syndrome. Identifiers: Orphanet 140162, MedGen C0027672, MeSH D009386, MONDO:0015356.
Intrauterine growth retardation, metaphyseal dysplasia, adrenal hypoplasia congenita, genital anomalies, and immunodeficiency. Also called: IMAGEI SYNDROME. Identifiers: MedGen C5193036, MONDO:0032684, OMIM 618336.
Facial dysmorphism-immunodeficiency-livedo-short stature syndrome. Also called: Facial dysmorphism, immunodeficiency, livedo, and short stature; FILS syndrome. Identifiers: Orphanet 352712, MedGen C3554576, MONDO:0014058, OMIM 615139.
Colorectal cancer, susceptibility to, 12 (CRCS12). Also called: COLORECTAL CANCER, SUSCEPTIBILITY TO, ON CHROMOSOME 12q24. Identifiers: Orphanet 220460, MedGen C3554460, MONDO:0014038, OMIM 615083.
POLE-related disorder. Also called: POLE-related condition; POLE-related disorders.

Allele frequency attached by ClinVar (database versions not stated): ExAC 0.00002; gnomAD exomes 0.00002 and 0.00003; TOPMed 0.00003; gnomAD 0.00005 and 0.00006; ESP Exome Variant Server 0.00015; 1000 Genomes Project 30x 0.00016; 1000 Genomes Project 0.00020.
gnomAD v4.1: 32 of 1,614,120 alleles (0.002%); highest among the groups gnomAD compares: East Asian, 0.051%; no homozygotes.

Submissions (6):

Labcorp Genetics (formerly Invitae), Labcorp
Classification: Uncertain significance. Last evaluated: 2026-01-28. Review status: criteria provided, single submitter. Criteria: Invitae Variant Classification Sherloc (09022015). Collection method: clinical testing. Allele origin: germline.
Comment: This sequence change replaces threonine, which is neutral and polar, with methionine, which is neutral and non-polar, at codon 41 of the POLE protein (p.Thr41Met). This variant is present in population databases (rs148269473, gnomAD 0.04%). This variant has not been reported in the literature in individuals affected with POLE-related conditions. ClinVar contains an entry for this variant (Variation ID: 405900). Invitae Evidence Modeling of protein sequence and biophysical properties (such as structural, functional, and spatial information, amino acid conservation, physicochemical variation, residue mobility, and thermodynamic stability) indicates that this missense variant is not expected to disrupt POLE protein function with a negative predictive value of 80%. In summary, the available evidence is currently insufficient to determine the role of this variant in disease. Therefore, it has been classified as a Variant of Uncertain Significance.

CeGaT Center for Human Genetics Tuebingen
Classification: Uncertain significance. Last evaluated: 2025-06-01. Review status: criteria provided, single submitter. Criteria: CeGaT Center For Human Genetics Tuebingen Variant Classification Criteria Version 2. Collection method: clinical testing. Allele origin: germline. Affected: yes. Observed: 1 variant allele.

Ambry Genetics
Classification: Uncertain significance for Hereditary cancer-predisposing syndrome. Last evaluated: 2025-03-03. Review status: criteria provided, single submitter. Criteria: Ambry Variant Classification Scheme 2023. Collection method: clinical testing. Allele origin: germline.
Comment: The p.T41M variant (also known as c.122C>T), located in coding exon 2 of the POLE gene, results from a C to T substitution at nucleotide position 122. The threonine at codon 41 is replaced by methionine, an amino acid with similar properties. This amino acid position is well conserved in available vertebrate species. In addition, this alteration is predicted to be tolerated by in silico analysis. Based on the available evidence, the clinical significance of this variant remains unclear.

GeneDx
Classification: Uncertain significance. Last evaluated: 2023-12-29. Review status: criteria provided, single submitter. Criteria: GeneDx Variant Classification Process June 2021. Collection method: clinical testing. Allele origin: germline. Affected: yes.
Comment: In silico analysis supports that this missense variant does not alter protein structure/function; Has not been previously published as pathogenic or benign to our knowledge

Department of Pathology and Laboratory Medicine, Sinai Health System
Classification: Uncertain significance for Colorectal cancer, susceptibility to, 12; Facial dysmorphism-immunodeficiency-livedo-short stature syndrome; Intrauterine growth retardation, metaphyseal dysplasia, adrenal hypoplasia congenita, genital anomalies, and immunodeficiency. Last evaluated: 2019-10-01. Review status: criteria provided, single submitter. Criteria: ACMG Guidelines, 2015. Collection method: clinical testing. Allele origin: germline. Affected: yes.

PreventionGenetics, part of Exact Sciences
Classification: Uncertain significance for POLE-related condition. Last evaluated: 2024-01-31. Review status: no assertion criteria provided. Collection method: clinical testing. Allele origin: germline. Not counted in ClinVar's aggregate classification.
Comment: The POLE c.122C>T variant is predicted to result in the amino acid substitution p.Thr41Met. To our knowledge, this variant has not been reported in the literature. This variant is reported in 0.035% of alleles in individuals of East Asian descent in gnomAD and it is interpreted as uncertain in ClinVar. At this time, the clinical significance of this variant is uncertain due to the absence of conclusive functional and genetic evidence.

NM_006231.4(POLE):c.122C>T (p.Thr41Met)

Gene: POLE (DNA polymerase epsilon, catalytic subunit; minus strand). Cytogenetic location: 12q24.33.
Variant type: single nucleotide variant.
Coding change: c.122C>T on transcript NM_006231.4 (MANE Select); coding-DNA position 122, C replaced by T.
Protein change: p.Thr41Met; replaces threonine 41 with methionine.
Molecular consequence: missense variant.
Genome position (GRCh38, 1-based): chr12:132,681,220, G>A on the plus strand (C>T on the coding strand, the complement: POLE is on the minus strand). VCF-style: chr12-132681220-G-A. GRCh37 (hg19) VCF-style: chr12-133257806-G-A.
Other names: short protein forms T41M.
Identifiers: ClinVar variation 405900 (VCV000405900.25), dbSNP rs148269473, ClinGen allele CA6894440.
Genomic context (GRCh38, chr12:132,681,220, plus strand): 5'-CCTGTCTTCTCACCAGGCTCCTTCAGCCGCTCAAAACCAAACCGCAAATCCATCTTATCC[G>A]TCCACTGACTCCGTTCCAGGCGCTTGAGTGCCGAAACTGAGGAAGTGGCGCCATCATCCC-3'
Protein context (NP_006222.2, residues 31-51): ALKRLERSQW[Thr41Met]DKMDLRFGFE